The following is an entry in ClinVar:

ClinVar aggregate classification (germline): Pathogenic (1 of 4 stars; one submission).

Conditions:
Inborn genetic diseases. Identifiers: MedGen C0950123, MeSH D030342.

Submission:

Ambry Genetics
Classification: Pathogenic for Inborn genetic diseases. Last evaluated: 2025-04-22. Review status: criteria provided, single submitter. Criteria: Ambry Variant Classification Scheme 2023. Collection method: clinical testing. Allele origin: germline.
Comment: The c.4453_4457delAAAGA (p.K1485Efs*17) alteration, located in exon 25 (coding exon 25) of the ANKRD17 gene, consists of a deletion of 5 nucleotides from position 4453 to 4457, causing a translational frameshift with a predicted alternate stop codon after 17 amino acids. This alteration is expected to result in loss of function by premature protein truncation or nonsense-mediated mRNA decay. This variant was not reported in population-based cohorts in the Genome Aggregation Database (gnomAD). Based on the available evidence, this alteration is classified as pathogenic.

NM_032217.5(ANKRD17):c.4453_4457del (p.Lys1485fs)

Gene: ANKRD17 (ankyrin repeat domain 17; minus strand). Cytogenetic location: 4q13.3.
Variant type: Microsatellite.
Coding change: c.4453_4457del on transcript NM_032217.5 (MANE Select); coding-DNA positions 4453 to 4457, 5 bases deleted (AAAGA; older notation c.4453_4457delAAAGA).
Protein change: p.Lys1485fs; shifts the reading frame from lysine 1485.
Molecular consequence: frameshift variant.
Genome position (GRCh38, 1-based): chr4:73,102,492-73,102,496, TCTTT deleted on the plus strand (AAAGA on the coding strand, the reverse complement: ANKRD17 is on the minus strand); deleting any 5 consecutive bases within chr4:73,102,492-73,102,502 gives the same sequence; the c. name uses the placement nearest the transcript's 3' end. VCF-style (leftmost placement, unchanged base first): chr4-73102491-CTCTTT-C. GRCh37 (hg19) VCF-style: chr4-73968208-CTCTTT-C.
Other names: c.4114_4118del, p.Lys1372fs (NM_001286771.3); c.4450_4454del, p.Lys1484fs (NM_015574.2); c.3700_3704del, p.Lys1234fs (NM_198889.3); short protein forms K1485fs, K1372fs, K1234fs, K1484fs.
Identifiers: ClinVar variation 4055239 (VCV004055239.1).